The following is an entry in ClinVar:

NM_000486.6(AQP2):c.37_148del (p.Val13fs)

Gene: AQP2 (aquaporin 2; plus strand). Cytogenetic location: 12q13.12.
Variant type: Deletion.
Coding change: c.37_148del on transcript NM_000486.6 (MANE Select); coding-DNA positions 37 to 148, 112 bases deleted.
Protein change: p.Val13fs; shifts the reading frame from valine 13.
Molecular consequence: frameshift variant.
Genome position (GRCh38, 1-based): chr12:49,950,867-49,950,978, 112 bases deleted. GRCh37 (hg19): chr12:50,344,650-50,344,761.
Other names: c.37_148del112, p.Val13Trpfs (NM_000486.5); short protein forms V13fs.
Identifiers: ClinVar variation 4060659 (VCV004060659.2).

ClinVar aggregate classification (germline): Likely pathogenic (1 of 4 stars; one submission).

Conditions:
Nephrogenic diabetes insipidus. Identifiers: Orphanet 223, MedGen C0162283, MONDO:0016383, HP:0009806.

Submission:

Natera, Inc.
Classification: Likely pathogenic for Nephrogenic diabetes insipidus. Last evaluated: 2025-04-13. Review status: criteria provided, single submitter. Criteria: Natera Variant Classification Schema (03/2026). Collection method: clinical testing. Allele origin: germline.
Comment: The c.37_148del variant in AQP2 is a frameshift variant predicted to shift the reading frame beginning at codon 13 and leads to a stop codon 13 codons downstream. This variant is expected to result in nonsense mediated decay, truncation, or a dysfunctional protein product. This variant is rare in the general population with a frequency below the threshold expected for the associated phenotype(s). Given the available evidence, this variant is classified as Likely Pathogenic.